The following is an entry in ClinVar:

NM_198576.4(AGRN):c.6094G>A (p.Asp2032Asn)

Gene: AGRN (agrin; plus strand). Cytogenetic location: 1p36.33.
Variant type: single nucleotide variant.
Coding change: c.6094G>A on transcript NM_198576.4 (MANE Select); coding-DNA position 6094, G replaced by A.
Protein change: p.Asp2032Asn; replaces aspartic acid 2032 with asparagine.
Molecular consequence: missense variant.
Genome position (GRCh38, 1-based): chr1:1,054,937, G>A. VCF-style: chr1-1054937-G-A. GRCh37 (hg19) VCF-style: chr1-990317-G-A.
Other names: c.6163G>A, p.Asp2055Asn (NM_001305275.2); c.5791G>A, p.Asp1931Asn (NM_001364727.2); short protein forms D1931N, D2032N, D2055N.
Identifiers: ClinVar variation 1995301 (VCV001995301.4), dbSNP rs1645413121, ClinGen allele CA337786988.

ClinVar aggregate classification (germline): Uncertain significance (1 of 4 stars; one submission).

Conditions:
Congenital myasthenic syndrome 8. Also called: Myasthenic syndrome, congenital, 8, with pre- and postsynaptic defects; MYASTHENIC SYNDROME, CONGENITAL, DUE TO AGRIN DEFICIENCY. Identifiers: Orphanet 590, MedGen C3808739, MONDO:0014052, OMIM 615120.

Allele frequency attached by ClinVar (database versions not stated): gnomAD exomes below 0.00001; gnomAD 0.00001.
gnomAD v4.1: 3 of 1,548,914 alleles (0.00019%); highest among the groups gnomAD compares: Admixed American, 0.002%; no homozygotes.

Submission:

Labcorp Genetics (formerly Invitae), Labcorp
Classification: Uncertain significance for Congenital myasthenic syndrome 8. Last evaluated: 2022-05-16. Review status: criteria provided, single submitter. Criteria: Invitae Variant Classification Sherloc (09022015). Collection method: clinical testing. Allele origin: germline.
Comment: This variant is not present in population databases (gnomAD no frequency). In summary, the available evidence is currently insufficient to determine the role of this variant in disease. Therefore, it has been classified as a Variant of Uncertain Significance. Algorithms developed to predict the effect of missense changes on protein structure and function are either unavailable or do not agree on the potential impact of this missense change (SIFT: "Deleterious"; PolyPhen-2: "Possibly Damaging"; Align-GVGD: "Class C0"). This variant has not been reported in the literature in individuals affected with AGRN-related conditions. This sequence change replaces aspartic acid, which is acidic and polar, with asparagine, which is neutral and polar, at codon 2032 of the AGRN protein (p.Asp2032Asn).